The following is an entry in ClinVar:

ClinVar aggregate classification (germline): Uncertain significance (1 of 4 stars; one submission).

Conditions:
Hereditary cancer-predisposing syndrome. Also called: Neoplastic Syndromes, Hereditary; Tumor predisposition; Hereditary neoplastic syndrome; Hereditary Cancer Syndrome. Identifiers: Orphanet 140162, MedGen C0027672, MeSH D009386, MONDO:0015356.

Submission:

Ambry Genetics
Classification: Uncertain significance for Hereditary cancer-predisposing syndrome. Last evaluated: 2026-07-06. Review status: criteria provided, single submitter. Criteria: Ambry Variant Classification Scheme 2023. Collection method: clinical testing. Allele origin: germline.
Comment: The p.L85F variant (also known as c.255A>C), located in coding exon 1 of the AXIN2 gene, results from an A to C substitution at nucleotide position 255. The leucine at codon 85 is replaced by phenylalanine, an amino acid with highly similar properties. This amino acid position is conserved. In addition, the in silico prediction for this alteration is inconclusive. Based on the available evidence, the clinical significance of this variant remains unclear.

NM_004655.4(AXIN2):c.255A>C (p.Leu85Phe)

Gene: AXIN2 (axin 2; minus strand). Cytogenetic location: 17q24.1.
Variant type: single nucleotide variant.
Coding change: c.255A>C on transcript NM_004655.4 (MANE Select); coding-DNA position 255, A replaced by C.
Protein change: p.Leu85Phe; replaces leucine 85 with phenylalanine.
Molecular consequence: missense variant.
Genome position (GRCh38, 1-based): chr17:65,558,366, T>G on the plus strand (A>C on the coding strand, the complement: AXIN2 is on the minus strand). VCF-style: chr17-65558366-T-G. GRCh37 (hg19) VCF-style: chr17-63554484-T-G.
Other names: c.255A>C, p.Leu85Phe (NM_001363813.1); short protein forms L85F.
Identifiers: ClinVar variation 5032543 (VCV005032543.1).